The following is an entry in ClinVar:

NM_004960.4(FUS):c.1408del (p.Asp470fs)

Gene: FUS (FUS RNA binding protein; plus strand). Cytogenetic location: 16p11.2.
Variant type: Deletion.
Coding change: c.1408del on transcript NM_004960.4 (MANE Select); coding-DNA position 1408, one base deleted (G; older notation c.1408delG).
Protein change: p.Asp470fs; shifts the reading frame from aspartic acid 470.
Molecular consequence: frameshift variant. On other transcripts: non-coding transcript variant (1).
Genome position (GRCh38, 1-based): chr16:31,190,977, G deleted; the last of 4 consecutive G bases (chr16:31,190,974-31,190,977); deleting any one gives the same sequence. VCF-style (leftmost placement, unchanged base first): chr16-31190973-CG-C. GRCh37 (hg19) VCF-style: chr16-31202294-CG-C.
Other names: c.1405del, p.Asp469fs (NM_001170634.1); c.1396del, p.Asp466fs (NM_001170937.1); c.1408delG, p.Asp470Metfs (NM_004960.3); short protein forms D469fs, D470fs, D466fs.
Identifiers: ClinVar variation 3571508 (VCV003571508.2).

ClinVar aggregate classification (germline): Pathogenic/Likely pathogenic. Review status: criteria provided, multiple submitters, no conflicts (2 of 4 stars). 2 submissions from 2 submitters: Pathogenic (1); Likely pathogenic (1). Last evaluated 2025-03-15.

Conditions:
Amyotrophic lateral sclerosis type 6. Also called: FUS-Related Amyotrophic Laterial Sclerosis; AMYOTROPHIC LATERAL SCLEROSIS 6 WITHOUT FRONTOTEMPORAL DEMENTIA; Amyotrophic lateral sclerosis 6, with or without frontotemporal dementia. Identifiers: Orphanet 275872, Orphanet 803, MedGen C2931786, MONDO:0011951, OMIM 608030.
Tremor, hereditary essential, 4 (ETM4). Identifiers: MedGen C3539195, MONDO:0013888, OMIM 614782.

Submissions (2):

Labcorp Genetics (formerly Invitae), Labcorp
Classification: Pathogenic for Tremor, hereditary essential, 4; Amyotrophic lateral sclerosis type 6. Last evaluated: 2025-03-15. Review status: criteria provided, single submitter. Criteria: Invitae Variant Classification Sherloc (09022015). Collection method: clinical testing. Allele origin: germline.
Comment: This sequence change results in a frameshift in the FUS gene (p.Asp470Metfs*59). While this is not anticipated to result in nonsense mediated decay, it is expected to disrupt the last 57 amino acid(s) of the FUS protein and extend the protein by 1 additional amino acid residues. This variant is not present in population databases (gnomAD no frequency). This variant has not been reported in the literature in individuals affected with FUS-related conditions. ClinVar contains an entry for this variant (Variation ID: 3571508). This variant disrupts a region of the FUS protein in which other variant(s) (p.Gln519Ilefs*9) have been determined to be pathogenic (PMID: 20668261, 26788680, 28429524). This suggests that this is a clinically significant region of the protein, and that variants that disrupt it are likely to be disease-causing. For these reasons, this variant has been classified as Pathogenic.

Athena Diagnostics
Classification: Likely pathogenic. Last evaluated: 2024-09-16. Review status: criteria provided, single submitter. Criteria: Athena Diagnostics Criteria. Collection method: clinical testing. Allele origin: unknown.
Comment: This variant has not been reported in large, multi-ethnic general populations. This variant is not expected to cause loss of protein expression through nonsense-mediated decay, however, similar variants in this region have been associated with disease, and therefore, this variant is also expected to contribute to disease.

Literature cited by the submitters: PubMed 20668261 (cited by Labcorp Genetics (formerly Invitae), Labcorp); PubMed 26788680 (cited by Labcorp Genetics (formerly Invitae), Labcorp); PubMed 28429524 (cited by Labcorp Genetics (formerly Invitae), Labcorp).